The following is an entry in ClinVar:

ClinVar aggregate classification (germline): Likely benign. Review status: criteria provided, multiple submitters, no conflicts (2 of 4 stars). 5 submissions from 5 submitters: Likely benign (5). Last evaluated 2024-12-02.

Conditions:
Charcot-Marie-Tooth disease. Also called: Charcot-Marie-Tooth Hereditary Neuropathy; Charcot-Marie-Tooth Neuropathy. Identifiers: Orphanet 166, MedGen C0007959, MONDO:0015626.
Charcot-Marie-Tooth disease axonal type 2O. Also called: CHARCOT-MARIE-TOOTH NEUROPATHY, AXONAL, TYPE 2O; CHARCOT-MARIE-TOOTH DISEASE, AXONAL, AUTOSOMAL DOMINANT, TYPE 2O; Charcot-Marie-Tooth Neuropathy Type 2O; Charcot-Marie-Tooth disease, axonal, type 20. Identifiers: Orphanet 284232, MedGen C3280220, MONDO:0013644, OMIM 614228.
Inborn genetic diseases. Identifiers: MedGen C0950123, MeSH D030342.

Allele frequency attached by ClinVar (database versions not stated): TOPMed 0.00007; ESP Exome Variant Server 0.00008; gnomAD 0.00009.
gnomAD v4.1: 177 of 1,613,728 alleles (0.011%); highest among the groups gnomAD compares: Non-Finnish European, 0.014%; no homozygotes.

Submissions (5):

Labcorp Genetics (formerly Invitae), Labcorp
Classification: Likely benign for Charcot-Marie-Tooth disease axonal type 2O. Last evaluated: 2024-12-02. Review status: criteria provided, single submitter. Criteria: Invitae Variant Classification Sherloc (09022015). Collection method: clinical testing. Allele origin: germline.

Blueprint Genetics
Classification: Likely benign. Last evaluated: 2024-10-25. Review status: criteria provided, single submitter. Criteria: ACMG Guidelines, 2015. Collection method: clinical testing. Allele origin: germline.

GeneDx
Classification: Likely benign. Last evaluated: 2017-05-24. Review status: criteria provided, single submitter. Criteria: GeneDx Variant Classification (06012015). Collection method: clinical testing. Allele origin: germline. Affected: yes.
Comment: This variant is considered likely benign or benign based on one or more of the following criteria: it is a conservative change, it occurs at a poorly conserved position in the protein, it is predicted to be benign by multiple in silico algorithms, and/or has population frequency not consistent with disease.

Ambry Genetics
Classification: Likely benign for Inborn genetic diseases. Last evaluated: 2016-10-03. Review status: criteria provided, single submitter. Criteria: Ambry Variant Classification Scheme 2023. Collection method: clinical testing. Allele origin: germline.

Molecular Genetics Laboratory, London Health Sciences Centre
Classification: Likely benign for Charcot-Marie-Tooth disease. Review status: criteria provided, single submitter. Criteria: ACMG Guidelines, 2015. Collection method: clinical testing. Allele origin: germline. Affected: yes.

NM_001376.5(DYNC1H1):c.8202G>A (p.Val2734=)

Gene: DYNC1H1 (dynein cytoplasmic 1 heavy chain 1; plus strand). Cytogenetic location: 14q32.31.
Variant type: single nucleotide variant.
Coding change: c.8202G>A on transcript NM_001376.5 (MANE Select); coding-DNA position 8202, G replaced by A.
Protein change: p.Val2734=; no amino-acid change (valine 2734 retained).
Molecular consequence: synonymous variant.
Genome position (GRCh38, 1-based): chr14:102,018,475, G>A. VCF-style: chr14-102018475-G-A. GRCh37 (hg19) VCF-style: chr14-102484812-G-A.
Identifiers: ClinVar variation 472554 (VCV000472554.18), dbSNP rs202023896, ClinGen allele CA7352973.